The following is an entry in ClinVar:

ClinVar aggregate classification (germline): Uncertain significance (1 of 4 stars; one submission).

Conditions:
Hereditary cancer-predisposing syndrome. Also called: Hereditary neoplastic syndrome; Neoplastic Syndromes, Hereditary; Tumor predisposition; Hereditary Cancer Syndrome. Identifiers: Orphanet 140162, MedGen C0027672, MeSH D009386, MONDO:0015356.

Allele frequency attached by ClinVar (database versions not stated): gnomAD exomes below 0.00001.
gnomAD v4.1: 1 of 1,610,938 alleles (0.000062%); highest among the groups gnomAD compares: Non-Finnish European, 0.000085%; no homozygotes.

Submission:

Ambry Genetics
Classification: Uncertain significance for Hereditary cancer-predisposing syndrome. Last evaluated: 2021-12-15. Review status: criteria provided, single submitter. Criteria: Ambry Variant Classification Scheme 2023. Collection method: clinical testing. Allele origin: germline.
Comment: The p.V2664A variant (also known as c.7991T>C), located in coding exon 53 of the ATM gene, results from a T to C substitution at nucleotide position 7991. The valine at codon 2664 is replaced by alanine, an amino acid with similar properties. This amino acid position is well conserved in available vertebrate species. In addition, the in silico prediction for this alteration is inconclusive. Since supporting evidence is limited at this time, the clinical significance of this alteration remains unclear.

NM_000051.4(ATM):c.7991T>C (p.Val2664Ala)

Genes: ATM (ATM serine/threonine kinase; plus strand), C11orf65 (chromosome 11 open reading frame 65; minus strand). Cytogenetic location: 11q22.3.
Variant type: single nucleotide variant.
Coding change: c.7991T>C on transcript NM_000051.4 (MANE Select); coding-DNA position 7991, T replaced by C.
Protein change: p.Val2664Ala; replaces valine 2664 with alanine.
Molecular consequence: missense variant. On other transcripts: intron variant (2).
Genome position (GRCh38, 1-based): chr11:108,333,949, T>C. VCF-style: chr11-108333949-T-C. GRCh37 (hg19) VCF-style: chr11-108204676-T-C.
Other names: c.7991T>C, p.Val2664Ala (NM_001351834.2); c.641-24878A>G (NM_001330368.2); c.*38+1271A>G (NM_001351110.2); short protein forms V2664A.
Identifiers: ClinVar variation 1761521 (VCV001761521.2), dbSNP rs2136616559, ClinGen allele CA382561780.
Genomic context (GRCh38, chr11:108,333,949, plus strand): 5'-GCATAAATATTCCAGCAGACCAGCCAATTACTAAACTTAAGAATTTAGAAGATGTTGTTG[T>C]CCCTACTATGGAAATTAAGGTAATTTGCAATTAACTCTTGATTTTTTTTAAACTAAATTT-3'
Protein context (NP_000042.3, residues 2654-2674): TKLKNLEDVV[Val2664Ala]PTMEIKVDHT